The following is an entry in ClinVar:

NM_054012.4(ASS1):c.364-2A>T

Gene: ASS1 (argininosuccinate synthase 1; plus strand). Cytogenetic location: 9q34.11.
Variant type: single nucleotide variant.
Coding change: c.364-2A>T on transcript NM_054012.4 (MANE Select); the canonical splice acceptor site of the intron before coding-DNA position 364, A replaced by T.
Molecular consequence: splice acceptor variant.
Genome position (GRCh38, 1-based): chr9:130,464,109, A>T. VCF-style: chr9-130464109-A-T. GRCh37 (hg19) VCF-style: chr9-133339496-A-T.
Other names: c.364-2A>T (NM_000050.4).
Identifiers: ClinVar variation 950355 (VCV000950355.11), dbSNP rs774231051, ClinGen allele CA375225742.

ClinVar aggregate classification (germline): Likely pathogenic. Review status: criteria provided, multiple submitters, no conflicts (2 of 4 stars). 2 submissions from 2 submitters: Likely pathogenic (2). Last evaluated 2023-10-04.

Conditions:
Citrullinemia type I (CTNL1). Also called: argininosuccinate synthetase deficiency; ASS DEFICIENCY. Identifiers: Orphanet 247525, MedGen C4721769, MONDO:0008988, OMIM 215700.
Citrullinemia. Identifiers: Orphanet 187, MedGen C0175683, MONDO:0015991.

Submissions (2):

Labcorp Genetics (formerly Invitae), Labcorp
Classification: Likely pathogenic for Citrullinemia. Last evaluated: 2023-10-04. Review status: criteria provided, single submitter. Criteria: Invitae Variant Classification Sherloc (09022015). Collection method: clinical testing. Allele origin: germline.
Comment: This sequence change affects an acceptor splice site in intron 5 of the ASS1 gene. It is expected to disrupt RNA splicing. Variants that disrupt the donor or acceptor splice site typically lead to a loss of protein function (PMID: 16199547), and loss-of-function variants in ASS1 are known to be pathogenic (PMID: 18473344, 19006241). This variant is not present in population databases (gnomAD no frequency). Disruption of this splice site has been observed in individual(s) with ASS1-related conditions (PMID: 27629047, 28302489). ClinVar contains an entry for this variant (Variation ID: 950355). Algorithms developed to predict the effect of sequence changes on RNA splicing suggest that this variant may disrupt the consensus splice site. In summary, the currently available evidence indicates that the variant is pathogenic, but additional data are needed to prove that conclusively. Therefore, this variant has been classified as Likely Pathogenic.

Baylor Genetics
Classification: Likely pathogenic for Citrullinemia type I. Last evaluated: 2023-06-01. Review status: criteria provided, single submitter. Criteria: ACMG Guidelines, 2015. Collection method: clinical testing. Allele origin: unknown.

Literature cited by the submitters: PubMed 16199547 (cited by Labcorp Genetics (formerly Invitae), Labcorp); PubMed 18473344 (cited by Labcorp Genetics (formerly Invitae), Labcorp); PubMed 19006241 (cited by Labcorp Genetics (formerly Invitae), Labcorp); PubMed 27629047 (cited by Labcorp Genetics (formerly Invitae), Labcorp); PubMed 28302489 (cited by Labcorp Genetics (formerly Invitae), Labcorp).